The following is an entry in ClinVar:

ClinVar aggregate classification (germline): Uncertain significance. Review status: criteria provided, multiple submitters, no conflicts (2 of 4 stars). 4 submissions from 4 submitters: Uncertain significance (4). Last evaluated 2025-12-01.

Conditions:
Inborn genetic diseases. Identifiers: MedGen C0950123, MeSH D030342.

Allele frequency attached by ClinVar (database versions not stated): gnomAD 0.00003; TOPMed 0.00006; gnomAD exomes 0.00010; ExAC 0.00011; ESP Exome Variant Server 0.00015.
gnomAD v4.1: 155 of 1,614,084 alleles (0.0096%); highest among the groups gnomAD compares: Non-Finnish European, 0.011%; no homozygotes.

Submissions (4):

CeGaT Center for Human Genetics Tuebingen
Classification: Uncertain significance. Last evaluated: 2025-12-01. Review status: criteria provided, single submitter. Criteria: CeGaT Center For Human Genetics Tuebingen Variant Classification Criteria Version 2. Collection method: clinical testing. Allele origin: germline. Affected: yes. Observed: 1 variant allele.
Comment: MYH3: PM2

Labcorp Genetics (formerly Invitae), Labcorp
Classification: Uncertain significance. Last evaluated: 2025-11-24. Review status: criteria provided, single submitter. Criteria: Invitae Variant Classification Sherloc (09022015). Collection method: clinical testing. Allele origin: germline.
Comment: This sequence change replaces arginine, which is basic and polar, with histidine, which is basic and polar, at codon 781 of the MYH3 protein (p.Arg781His). This variant is present in population databases (rs138308402, gnomAD 0.01%). This variant has not been reported in the literature in individuals affected with MYH3-related conditions. ClinVar contains an entry for this variant (Variation ID: 2055161). Invitae Evidence Modeling of protein sequence and biophysical properties (such as structural, functional, and spatial information, amino acid conservation, physicochemical variation, residue mobility, and thermodynamic stability) indicates that this missense variant is not expected to disrupt MYH3 protein function with a negative predictive value of 95%. In summary, the available evidence is currently insufficient to determine the role of this variant in disease. Therefore, it has been classified as a Variant of Uncertain Significance.

Ambry Genetics
Classification: Uncertain significance for Inborn genetic diseases. Last evaluated: 2025-10-22. Review status: criteria provided, single submitter. Criteria: Ambry Variant Classification Scheme 2023. Collection method: clinical testing. Allele origin: germline.

GeneDx
Classification: Uncertain significance. Last evaluated: 2025-05-09. Review status: criteria provided, single submitter. Criteria: GeneDx Variant Classification Process June 2021. Collection method: clinical testing. Allele origin: germline. Affected: yes.
Comment: In silico analysis supports that this missense variant has a deleterious effect on protein structure/function; Has not been previously published as pathogenic or benign to our knowledge

NM_002470.4(MYH3):c.2342G>A (p.Arg781His)

Gene: MYH3 (myosin heavy chain 3; minus strand). Cytogenetic location: 17p13.1.
Variant type: single nucleotide variant.
Coding change: c.2342G>A on transcript NM_002470.4 (MANE Select); coding-DNA position 2342, G replaced by A.
Protein change: p.Arg781His; replaces arginine 781 with histidine.
Molecular consequence: missense variant.
Genome position (GRCh38, 1-based): chr17:10,640,417, C>T on the plus strand (G>A on the coding strand, the complement: MYH3 is on the minus strand). VCF-style: chr17-10640417-C-T. GRCh37 (hg19) VCF-style: chr17-10543734-C-T.
Other names: c.2342G>A (NM_002470.3); short protein forms R781H.
Identifiers: ClinVar variation 2055161 (VCV002055161.12), dbSNP rs138308402, ClinGen allele CA8392781.